The following is an entry in ClinVar:

ClinVar aggregate classification (germline): Benign. Review status: criteria provided, single submitter (1 of 4 stars). 2 submissions from 2 submitters: Benign (1). 1 of the submissions does not count toward it. Last evaluated 2019-12-31.

Conditions:
BLTP1-related disorder. Also called: BLTP1-related condition.

Allele frequency attached by ClinVar (database versions not stated): TOPMed 0.00204; gnomAD 0.00209 and 0.00258; ESP Exome Variant Server 0.00220; 1000 Genomes Project 0.00260; 1000 Genomes Project 30x 0.00312; gnomAD exomes 0.00428 and 0.00437; ExAC 0.00457.
gnomAD v4.1: 6,596 of 1,611,018 alleles (0.41%); highest among the groups gnomAD compares: South Asian, 2.2%; 46 homozygotes.

Submissions (2):

Labcorp Genetics (formerly Invitae), Labcorp
Classification: Benign. Last evaluated: 2019-12-31. Review status: criteria provided, single submitter. Criteria: Invitae Variant Classification Sherloc (09022015). Collection method: clinical testing. Allele origin: germline.

PreventionGenetics, part of Exact Sciences
Classification: Benign for BLTP1-related condition. Last evaluated: 2019-02-22. Review status: no assertion criteria provided. Collection method: clinical testing. Allele origin: germline. Not counted in ClinVar's aggregate classification.
Comment: This variant is classified as benign based on ACMG/AMP sequence variant interpretation guidelines (Richards et al. 2015 PMID: 25741868, with internal and published modifications).

NM_001384125.1(BLTP1):c.11043C>T (p.Tyr3681=)

Gene: BLTP1 (bridge-like lipid transfer protein family member 1; plus strand). Cytogenetic location: 4q27.
Variant type: single nucleotide variant.
Coding change: c.11043C>T on transcript NM_001384125.1 (MANE Select); coding-DNA position 11043, C replaced by T.
Protein change: p.Tyr3681=; no amino-acid change (tyrosine 3681 retained).
Molecular consequence: synonymous variant.
Genome position (GRCh38, 1-based): chr4:122,324,474, C>T. VCF-style: chr4-122324474-C-T. GRCh37 (hg19) VCF-style: chr4-123245629-C-T.
Other names: c.10842C>T, p.Tyr3614= (NM_015312.4).
Identifiers: ClinVar variation 716370 (VCV000716370.6), dbSNP rs111490757, ClinGen allele CA3067645.